The following is an entry in ClinVar:

NM_001127649.3(PEX26):c.468T>G (p.Tyr156Ter)

Gene: PEX26 (peroxisomal biogenesis factor 26; plus strand). Cytogenetic location: 22q11.21.
Variant type: single nucleotide variant.
Coding change: c.468T>G on transcript NM_001127649.3 (MANE Select); coding-DNA position 468, T replaced by G.
Protein change: p.Tyr156Ter; replaces tyrosine 156 with a stop codon.
Molecular consequence: nonsense.
Genome position (GRCh38, 1-based): chr22:18,083,533, T>G. VCF-style: chr22-18083533-T-G. GRCh37 (hg19) VCF-style: chr22-18566299-T-G.
Other names: c.468T>G, p.Tyr156Ter (NM_001199319.2, NM_017929.6); short protein forms Y156*.
Identifiers: ClinVar variation 2943328 (VCV002943328.3), dbSNP rs1926706805, ClinGen allele CA410267583.

ClinVar aggregate classification (germline): Pathogenic (1 of 4 stars; one submission).

Conditions:
Peroxisome biogenesis disorder 7A (Zellweger). Also called: Peroxisome biogenesis disorder 7A. Identifiers: Orphanet 912, MedGen C3888385, MONDO:0013938, OMIM 614872.
Peroxisome biogenesis disorder 7B (PBD7B). Identifiers: Orphanet 44, MedGen C3553951, MONDO:0013939, OMIM 614873.

Submission:

Labcorp Genetics (formerly Invitae), Labcorp
Classification: Pathogenic for Peroxisome biogenesis disorder 7A (Zellweger); Peroxisome biogenesis disorder 7B. Last evaluated: 2023-01-17. Review status: criteria provided, single submitter. Criteria: Invitae Variant Classification Sherloc (09022015). Collection method: clinical testing. Allele origin: germline.
Comment: This sequence change creates a premature translational stop signal (p.Tyr156*) in the PEX26 gene. It is expected to result in an absent or disrupted protein product. Loss-of-function variants in PEX26 are known to be pathogenic (PMID: 12851857, 21031596). For these reasons, this variant has been classified as Pathogenic. Algorithms developed to predict the effect of sequence changes on RNA splicing suggest that this variant may disrupt the consensus splice site. This variant has not been reported in the literature in individuals affected with PEX26-related conditions. This variant is not present in population databases (gnomAD no frequency).

Literature cited by the submitters: PubMed 12851857; PubMed 21031596.